The following is an entry in ClinVar:

ClinVar aggregate classification (germline): Pathogenic (1 of 4 stars; one submission).

Conditions:
Chromosome 2q32-q33 deletion syndrome (GLASS). Also called: Glass syndrome; 2q33.1 deletion syndrome. Identifiers: Orphanet 251019, MedGen C2676739, MONDO:0012864, OMIM 612313.

Submission:

Labcorp Genetics (formerly Invitae), Labcorp
Classification: Pathogenic for Chromosome 2q32-q33 deletion syndrome. Last evaluated: 2018-05-10. Review status: criteria provided, single submitter. Criteria: Invitae Variant Classification Sherloc (09022015). Collection method: clinical testing. Allele origin: germline.
Comment: This variant is an out-of-frame deletion of the genomic region encompassing exons 4-8 of the SATB2 gene. This is expected to create a premature translational stop signal and result in an absent or disrupted protein product. This variant has not been reported in the literature in individuals with SATB2-related disease. Loss-of-function variants in SATB2 are known to be pathogenic (PMID: 25885067). For these reasons, this variant has been classified as Pathogenic.

Literature cited by the submitters: PubMed 25885067.

NC_000002.12:g.(?_199348681)_(199433534_?)del

Gene: SATB2 (SATB homeobox 2; minus strand). Cytogenetic location: 2q33.1.
Variant type: Deletion.
Identifiers: ClinVar variation 584397 (VCV000584397.3).